The following is an entry in ClinVar:

ClinVar aggregate classification (germline): Uncertain significance (1 of 4 stars; one submission).

Allele frequency attached by ClinVar (database versions not stated): TOPMed below 0.00001; gnomAD 0.00002; 1000 Genomes Project 0.00020; 1000 Genomes Project 30x 0.00031.
gnomAD v4.1: 14 of 1,562,624 alleles (0.0009%); highest among the groups gnomAD compares: African/African-American, 0.0027%; no homozygotes.

Submission:

Labcorp Genetics (formerly Invitae), Labcorp
Classification: Uncertain significance. Last evaluated: 2022-01-14. Review status: criteria provided, single submitter. Criteria: Invitae Variant Classification Sherloc (09022015). Collection method: clinical testing. Allele origin: germline.
Comment: This sequence change replaces serine, which is neutral and polar, with phenylalanine, which is neutral and non-polar, at codon 833 of the FCHO1 protein (p.Ser833Phe). This variant is present in population databases (rs115857705, gnomAD 0.007%). This variant has not been reported in the literature in individuals affected with FCHO1-related conditions. Algorithms developed to predict the effect of missense changes on protein structure and function (SIFT, PolyPhen-2, Align-GVGD) all suggest that this variant is likely to be tolerated. In summary, the available evidence is currently insufficient to determine the role of this variant in disease. Therefore, it has been classified as a Variant of Uncertain Significance.

NM_015122.3(FCHO1):c.2498C>T (p.Ser833Phe)

Gene: FCHO1 (FCH and mu domain containing endocytic adaptor 1; plus strand). Cytogenetic location: 19p13.11.
Variant type: single nucleotide variant.
Coding change: c.2498C>T on transcript NM_015122.3 (MANE Select); coding-DNA position 2498, C replaced by T.
Protein change: p.Ser833Phe; replaces serine 833 with phenylalanine.
Molecular consequence: missense variant. On other transcripts: synonymous variant (3), non-coding transcript variant (36).
Genome position (GRCh38, 1-based): chr19:17,787,697, C>T. VCF-style: chr19-17787697-C-T. GRCh37 (hg19) VCF-style: chr19-17898506-C-T.
Other names: c.2498C>T, p.Ser833Phe (NM_001161357.2, NM_001161358.2, NM_001384370.1 and 11 more transcripts); c.2348C>T, p.Ser783Phe (NM_001161359.2, NM_001384384.1, NM_001384385.1 and 1 more transcripts); c.2477C>T, p.Ser826Phe (NM_001384387.1); c.2459C>T, p.Ser820Phe (NM_001384388.1, NM_001384389.1); c.2423C>T, p.Ser808Phe (NM_001384390.1); c.2298C>T, p.Leu766= (NM_001384391.1); c.2381C>T, p.Ser794Phe (NM_001384392.1, NM_001384393.1, NM_001384394.1 and 1 more transcripts); c.2222C>T, p.Ser741Phe (NM_001384396.1, NM_001384397.1, NM_001384398.1 and 4 more transcripts); and 5 more; short protein forms S726F, S741F, S820F, S833F, S532F, S783F, S808F, S826F.
Identifiers: ClinVar variation 1478345 (VCV001478345.5), dbSNP rs115857705, ClinGen allele CA306125365.